The following is an entry in ClinVar:

ClinVar aggregate classification (germline): Likely pathogenic (1 of 4 stars; one submission).

Allele frequency attached by ClinVar (database versions not stated): TOPMed below 0.00001.

Submission:

GeneDx
Classification: Likely pathogenic. Last evaluated: 2023-11-08. Review status: criteria provided, single submitter. Criteria: GeneDx Variant Classification Process June 2021. Collection method: clinical testing. Allele origin: germline. Affected: yes.
Comment: Canonical splice site variant predicted to result in a null allele in a gene for which loss of function is a known mechanism of disease; Not observed at significant frequency in large population cohorts (gnomAD); Has not been previously published as pathogenic or benign to our knowledge

NM_001378452.1(ITPR1):c.4842+2T>C

Genes: BRRIAR (BHLHE40 and RIG-I regulating ITPR1 antisense RNA; minus strand), ITPR1 (inositol 1,4,5-trisphosphate receptor type 1; plus strand). Cytogenetic location: 3p26.1.
Variant type: single nucleotide variant.
Coding change: c.4842+2T>C on transcript NM_001378452.1 (MANE Select); the canonical splice donor site of the intron after coding-DNA position 4842, T replaced by C.
Molecular consequence: splice donor variant.
Genome position (GRCh38, 1-based): chr3:4,706,353, T>C. VCF-style: chr3-4706353-T-C. GRCh37 (hg19) VCF-style: chr3-4748037-T-C.
Other names: c.4815+2T>C (NM_001099952.4); c.4797+2T>C (NM_001168272.2); c.4770+2T>C (NM_002222.7).
Identifiers: ClinVar variation 2663290 (VCV002663290.1), dbSNP rs2094756404, ClinGen allele CA351635381.